The following is an entry in ClinVar:

NM_004336.5(BUB1):c.2245A>G (p.Lys749Glu)

Gene: BUB1 (BUB1 mitotic checkpoint serine/threonine kinase; minus strand). Cytogenetic location: 2q13.
Variant type: single nucleotide variant.
Coding change: c.2245A>G on transcript NM_004336.5 (MANE Select); coding-DNA position 2245, A replaced by G.
Protein change: p.Lys749Glu; replaces lysine 749 with glutamic acid.
Molecular consequence: missense variant.
Genome position (GRCh38, 1-based): chr2:110,649,336, T>C on the plus strand (A>G on the coding strand, the complement: BUB1 is on the minus strand). VCF-style: chr2-110649336-T-C. GRCh37 (hg19) VCF-style: chr2-111406913-T-C.
Other names: c.2185A>G, p.Lys729Glu (NM_001278616.2); c.2245A>G, p.Lys749Glu (NM_001278617.2); short protein forms K729E, K749E.
Identifiers: ClinVar variation 1788330 (VCV001788330.5), dbSNP rs375681093, ClinGen allele CA1827836.

ClinVar aggregate classification (germline): Uncertain significance. Review status: criteria provided, multiple submitters, no conflicts (2 of 4 stars). 2 submissions from 2 submitters: Uncertain significance (2). Last evaluated 2025-05-05.

Allele frequency attached by ClinVar (database versions not stated): ESP Exome Variant Server 0.00008; ExAC 0.00001.

Submissions (2):

Labcorp Genetics (formerly Invitae), Labcorp
Classification: Uncertain significance. Last evaluated: 2025-05-05. Review status: criteria provided, single submitter. Criteria: Invitae Variant Classification Sherloc (09022015). Collection method: clinical testing. Allele origin: germline.
Comment: This sequence change replaces lysine, which is basic and polar, with glutamic acid, which is acidic and polar, at codon 749 of the BUB1 protein (p.Lys749Glu). This variant is present in population databases (rs375681093, gnomAD 0.002%). This variant has not been reported in the literature in individuals affected with BUB1-related conditions. ClinVar contains an entry for this variant (Variation ID: 1788330). An algorithm developed to predict the effect of missense changes on protein structure and function outputs the following: PolyPhen-2: "Not Available". The glutamic acid amino acid residue is found in multiple mammalian species, which suggests that this missense change does not adversely affect protein function. In summary, the available evidence is currently insufficient to determine the role of this variant in disease. Therefore, it has been classified as a Variant of Uncertain Significance.

Ambry Genetics
Classification: Uncertain significance. Last evaluated: 2024-08-09. Review status: criteria provided, single submitter. Criteria: Ambry Variant Classification Scheme 2023. Collection method: clinical testing. Allele origin: germline.
Comment: The p.K749E variant (also known as c.2245A>G), located in coding exon 19 of the BUB1 gene, results from an A to G substitution at nucleotide position 2245. The lysine at codon 749 is replaced by glutamic acid, an amino acid with similar properties. This amino acid position is conserved. In addition, this alteration is predicted to be tolerated by in silico analysis. Since supporting evidence is limited at this time, the clinical significance of this alteration remains unclear.